The following is an entry in ClinVar:

NM_002430.3(MN1):c.922C>T (p.Gln308Ter)

Gene: MN1 (MN1 proto-oncogene, transcriptional regulator; minus strand). Cytogenetic location: 22q12.1.
Variant type: single nucleotide variant.
Coding change: c.922C>T on transcript NM_002430.3 (MANE Select); coding-DNA position 922, C replaced by T.
Protein change: p.Gln308Ter; replaces glutamine 308 with a stop codon.
Molecular consequence: nonsense.
Genome position (GRCh38, 1-based): chr22:27,799,622, G>A on the plus strand (C>T on the coding strand, the complement: MN1 is on the minus strand). VCF-style: chr22-27799622-G-A. GRCh37 (hg19) VCF-style: chr22-28195610-G-A.
Other names: short protein forms Q308*.
Identifiers: ClinVar variation 3397250 (VCV003397250.1).

ClinVar aggregate classification (germline): Pathogenic (1 of 4 stars; one submission).

Conditions:
Inborn genetic diseases. Identifiers: MedGen C0950123, MeSH D030342.

Submission:

Ambry Genetics
Classification: Pathogenic for Inborn genetic diseases. Last evaluated: 2024-11-22. Review status: criteria provided, single submitter. Criteria: Ambry Variant Classification Scheme 2023. Collection method: clinical testing. Allele origin: germline.
Comment: The c.922C>T (p.Q308*) alteration, located in exon 1 (coding exon 1) of the MN1 gene, consists of a C to T substitution at nucleotide position 922. This changes the amino acid from a glutamine (Q) to a stop codon at amino acid position 308. This alteration is expected to result in loss of function by premature protein truncation or nonsense-mediated mRNA decay. for MN1-related craniofacial anomaly syndrome; however, its clinical significance for MN1 C-terminal truncation syndrome is uncertain This variant was not reported in population-based cohorts in the Genome Aggregation Database (gnomAD). Based on the available evidence, this alteration is classified as pathogenic.